The following is an entry in ClinVar:

NM_053025.4(MYLK):c.4301A>G (p.Glu1434Gly)

Gene: MYLK (myosin light chain kinase; minus strand). Cytogenetic location: 3q21.1.
Variant type: single nucleotide variant.
Coding change: c.4301A>G on transcript NM_053025.4 (MANE Select); coding-DNA position 4301, A replaced by G.
Protein change: p.Glu1434Gly; replaces glutamic acid 1434 with glycine.
Molecular consequence: missense variant.
Genome position (GRCh38, 1-based): chr3:123,649,182, T>C on the plus strand (A>G on the coding strand, the complement: MYLK is on the minus strand). VCF-style: chr3-123649182-T-C. GRCh37 (hg19) VCF-style: chr3-123368029-T-C.
Other names: c.3773A>G, p.Glu1258Gly (NM_001321309.2); c.4094A>G, p.Glu1365Gly (NM_053026.4, NM_053028.4); c.4301A>G, p.Glu1434Gly (NM_053027.4); short protein forms E1434G, E1365G, E1258G.
Identifiers: ClinVar variation 952780 (VCV000952780.9), dbSNP rs771619672, ClinGen allele CA071341.

ClinVar aggregate classification (germline): Uncertain significance. Review status: criteria provided, multiple submitters, no conflicts (2 of 4 stars). 2 submissions from 2 submitters: Uncertain significance (2). Last evaluated 2023-10-13.

Conditions:
Aortic aneurysm, familial thoracic 7 (AAT7). Also called: AORTIC DISSECTION, FAMILIAL, WITH OR WITHOUT AORTIC ANEURYSM. Identifiers: MedGen C3151077, MONDO:0013418, OMIM 613780.

Allele frequency attached by ClinVar (database versions not stated): gnomAD exomes 0.00001; ExAC 0.00002.
gnomAD v4.1: 3 of 1,612,636 alleles (0.00019%); highest among the groups gnomAD compares: Non-Finnish European, 0.00025%; no homozygotes.

Submissions (2):

ARUP Laboratories, Molecular Genetics and Genomics, ARUP Laboratories
Classification: Uncertain significance. Last evaluated: 2023-10-13. Review status: criteria provided, single submitter. Criteria: ARUP Molecular Germline Variant Investigation Process 2024. Collection method: clinical testing. Allele origin: germline.
Comment: The MYLK c.4301A>G; p.Glu1434Gly variant (rs771619672), to our knowledge, is not reported in the medical literature but is reported in ClinVar (Variation ID: 952780). This variant is only observed on two alleles in the Genome Aggregation Database, indicating it is not a common polymorphism. Computational analyses are uncertain whether this variant is neutral or deleterious (REVEL: 0.169). Due to limited information, the clinical significance of this variant is uncertain at this time.

Labcorp Genetics (formerly Invitae), Labcorp
Classification: Uncertain significance for Aortic aneurysm, familial thoracic 7. Last evaluated: 2019-05-27. Review status: criteria provided, single submitter. Criteria: Invitae Variant Classification Sherloc (09022015). Collection method: clinical testing. Allele origin: germline.
Comment: This sequence change replaces glutamic acid with glycine at codon 1434 of the MYLK protein (p.Glu1434Gly). The glutamic acid residue is highly conserved and there is a moderate physicochemical difference between glutamic acid and glycine. This variant is present in population databases (rs771619672, ExAC 0.003%). This variant has not been reported in the literature in individuals with MYLK-related conditions. Algorithms developed to predict the effect of missense changes on protein structure and function are either unavailable or do not agree on the potential impact of this missense change (SIFT: "Deleterious"; PolyPhen-2: "Benign"; Align-GVGD: "Class C65"). In summary, the available evidence is currently insufficient to determine the role of this variant in disease. Therefore, it has been classified as a Variant of Uncertain Significance.